The following is an entry in ClinVar:

ClinVar aggregate classification (germline): Uncertain significance (1 of 4 stars; one submission).

Conditions:
Hereditary cancer-predisposing syndrome. Also called: Tumor predisposition; Hereditary neoplastic syndrome; Hereditary Cancer Syndrome; Neoplastic Syndromes, Hereditary. Identifiers: Orphanet 140162, MedGen C0027672, MeSH D009386, MONDO:0015356.

Submission:

Ambry Genetics
Classification: Uncertain significance for Hereditary cancer-predisposing syndrome. Last evaluated: 2025-05-13. Review status: criteria provided, single submitter. Criteria: Ambry Variant Classification Scheme 2023. Collection method: clinical testing. Allele origin: germline.
Comment: The c.416_418delCAG variant (also known as p.A139del) is located in coding exon 3 of the RAD51C gene. This variant results from an in-frame CAG deletion at nucleotide positions 416 to 418. This results in the in-frame deletion of an alanine at codon 139. This amino acid position is well conserved in available vertebrate species. In addition, this variant is predicted to be deleterious by in silico analysis (Choi Y et al. PLoS ONE. 2012; 7(10):e46688). Based on the available evidence, the clinical significance of this variant remains unclear.

NM_058216.3(RAD51C):c.416_418del (p.Ala139del)

Gene: RAD51C (RAD51 paralog C; plus strand). Cytogenetic location: 17q22.
Variant type: Deletion.
Coding change: c.416_418del on transcript NM_058216.3 (MANE Select); coding-DNA positions 416 to 418, 3 bases deleted (CAG; older notation c.416_418delCAG).
Protein change: p.Ala139del; deletes alanine 139.
Genome position (GRCh38, 1-based): chr17:58,696,704-58,696,706, CAG deleted; deleting any 3 consecutive bases within chr17:58,696,703-58,696,706 gives the same sequence; the c. name uses the placement nearest the transcript's 3' end. VCF-style (leftmost placement, unchanged base first): chr17-58696702-GGCA-G. GRCh37 (hg19) VCF-style: chr17-56774063-GGCA-G.
Other names: short protein forms A139del.
Identifiers: ClinVar variation 3942369 (VCV003942369.1).